The following is an entry in ClinVar:

NM_016592.5(GNAS):c.426A>C (p.Glu142Asp)

Genes: GNAS-AS1 (GNAS antisense RNA 1; minus strand), GNAS (GNAS complex locus; plus strand). Cytogenetic location: 20q13.32.
Variant type: single nucleotide variant.
Coding change: c.426A>C on transcript NM_016592.5 (MANE Plus Clinical); coding-DNA position 426, A replaced by C.
Protein change: p.Glu142Asp; replaces glutamic acid 142 with aspartic acid.
Molecular consequence: missense variant. On other transcripts: 5 prime UTR variant (1).
Genome position (GRCh38, 1-based): chr20:58,840,532, A>C. VCF-style: chr20-58840532-A-C. GRCh37 (hg19) VCF-style: chr20-57415587-A-C.
Other names: c.-312A>C (NM_001410912.1); short protein forms E142D.
Identifiers: ClinVar variation 4991246 (VCV004991246.1).

ClinVar aggregate classification (germline): Uncertain significance (1 of 4 stars; one submission).

Conditions:
GNAS-related disorder. Identifiers: MedGen CN380105.

Submission:

PreventionGenetics, part of Exact Sciences
Classification: Uncertain significance for GNAS-related condition. Last evaluated: 2025-12-30. Review status: criteria provided, single submitter. Criteria: ACMG Guidelines, 2015. Collection method: clinical testing. Allele origin: germline.
Comment: The GNAS c.426A>C variant is predicted to result in the amino acid substitution p.Glu142Asp. Of note, in the primary transcript (NM_000516.5) this variant is pre-coding (c.-51195A>C). To our knowledge, this variant has not been reported in the literature or in a large population database (gnomAD), indicating this variant is rare. At this time, the clinical significance of this variant is uncertain due to the absence of conclusive functional and genetic evidence.